The following is an entry in ClinVar:

NM_001843.4(CNTN1):c.678C>A (p.Phe226Leu)

Gene: CNTN1 (contactin 1; plus strand). Cytogenetic location: 12q12.
Variant type: single nucleotide variant.
Coding change: c.678C>A on transcript NM_001843.4 (MANE Select); coding-DNA position 678, C replaced by A.
Protein change: p.Phe226Leu; replaces phenylalanine 226 with leucine.
Molecular consequence: missense variant.
Genome position (GRCh38, 1-based): chr12:40,929,977, C>A. VCF-style: chr12-40929977-C-A. GRCh37 (hg19) VCF-style: chr12-41323779-C-A.
Other names: c.678C>A, p.Phe226Leu (NM_001256063.2, NM_001256064.2); c.645C>A, p.Phe215Leu (NM_175038.2); short protein forms F215L, F226L.
Identifiers: ClinVar variation 1045982 (VCV001045982.9), dbSNP rs868602241, ClinGen allele CA384422853.

ClinVar aggregate classification (germline): Uncertain significance (1 of 4 stars; one submission).

Conditions:
Compton-North congenital myopathy (CMYO12). Identifiers: Orphanet 210163, MedGen C2675527, MONDO:0012929, OMIM 612540.

Submission:

Labcorp Genetics (formerly Invitae), Labcorp
Classification: Uncertain significance for Compton-North congenital myopathy. Last evaluated: 2020-09-24. Review status: criteria provided, single submitter. Criteria: Invitae Variant Classification Sherloc (09022015). Collection method: clinical testing. Allele origin: germline.
Comment: Advanced modeling of protein sequence and biophysical properties (such as structural, functional, and spatial information, amino acid conservation, physicochemical variation, residue mobility, and thermodynamic stability) performed at Invitae indicates that this missense variant is not expected to disrupt CNTN1 protein function. In summary, the available evidence is currently insufficient to determine the role of this variant in disease. Therefore, it has been classified as a Variant of Uncertain Significance. This variant has not been reported in the literature in individuals with CNTN1-related conditions. This variant is not present in population databases (ExAC no frequency). This sequence change replaces phenylalanine with leucine at codon 226 of the CNTN1 protein (p.Phe226Leu). The phenylalanine residue is highly conserved and there is a small physicochemical difference between phenylalanine and leucine.